The following is an entry in ClinVar:

ClinVar aggregate classification (germline): Uncertain significance. Review status: criteria provided, multiple submitters, no conflicts (2 of 4 stars). 5 submissions from 5 submitters: Uncertain significance (5). Last evaluated 2026-01-01.

Conditions:
Hereditary cancer-predisposing syndrome. Also called: Tumor predisposition; Hereditary neoplastic syndrome; Hereditary Cancer Syndrome; Neoplastic Syndromes, Hereditary. Identifiers: Orphanet 140162, MedGen C0027672, MeSH D009386, MONDO:0015356.
Familial cancer of breast. Also called: hereditary breast carcinoma; BREAST CANCER, FAMILIAL; Hereditary breast cancer. Identifiers: Orphanet 227535, MedGen C0346153, MONDO:0016419, OMIM 114480. Disease mechanism: loss of function.

Allele frequency attached by ClinVar (database versions not stated): gnomAD 0.00001.
gnomAD v4.1: 1 of 1,613,756 alleles (0.000062%); highest among the groups gnomAD compares: Non-Finnish European, 0.000085%; no homozygotes.

Submissions (5):

CeGaT Center for Human Genetics Tuebingen
Classification: Uncertain significance. Last evaluated: 2026-01-01. Review status: criteria provided, single submitter. Criteria: CeGaT Center For Human Genetics Tuebingen Variant Classification Criteria Version 2. Collection method: clinical testing. Allele origin: germline. Affected: yes. Observed: 1 variant allele.
Comment: CHEK2: PM2

Ambry Genetics
Classification: Uncertain significance for Hereditary cancer-predisposing syndrome. Last evaluated: 2025-07-15. Review status: criteria provided, single submitter. Criteria: Ambry Variant Classification Scheme 2023. Collection method: clinical testing. Allele origin: germline.
Comment: The p.W411C variant (also known as c.1233G>C), located in coding exon 10 of the CHEK2 gene, results from a G to C substitution at nucleotide position 1233. The tryptophan at codon 411 is replaced by cysteine, an amino acid with highly dissimilar properties. This amino acid position is conserved. In addition, this alteration is predicted to be deleterious by in silico analysis. Based on the available evidence, the clinical significance of this variant remains unclear.

Labcorp Genetics (formerly Invitae), Labcorp
Classification: Uncertain significance for Familial cancer of breast. Last evaluated: 2023-08-17. Review status: criteria provided, single submitter. Criteria: Invitae Variant Classification Sherloc (09022015). Collection method: clinical testing. Allele origin: germline.
Comment: ClinVar contains an entry for this variant (Variation ID: 423679). An algorithm developed to predict the effect of missense changes on protein structure and function (PolyPhen-2) suggests that this variant is likely to be disruptive. In summary, the available evidence is currently insufficient to determine the role of this variant in disease. Therefore, it has been classified as a Variant of Uncertain Significance. This variant has not been reported in the literature in individuals affected with CHEK2-related conditions. This variant is not present in population databases (gnomAD no frequency). This sequence change replaces tryptophan, which is neutral and slightly polar, with cysteine, which is neutral and slightly polar, at codon 411 of the CHEK2 protein (p.Trp411Cys).

MGZ Medical Genetics Center
Classification: Uncertain significance for Familial cancer of breast. Last evaluated: 2022-02-07. Review status: criteria provided, single submitter. Criteria: ACMG Guidelines, 2015. Collection method: clinical testing. Allele origin: germline. Affected: yes. Observed: 1 variant allele.
Comment: ACMG criteria applied: PM2_SUP, PP3

GeneDx
Classification: Uncertain significance. Last evaluated: 2017-02-16. Review status: criteria provided, single submitter. Criteria: GeneDx Variant Classification (06012015). Collection method: clinical testing. Allele origin: germline. Affected: yes.
Comment: This variant is denoted CHEK2 c.1233G>C at the cDNA level, p.Trp411Cys (W411C) at the protein level, and results in the change of a Tryptophan to a Cysteine (TGG>TGC). This variant has not, to our knowledge, been published in the literature as a germline variant. However, it has been reported as Trp454Cys using an alternate transcript as a somatic variant in a gallbladder carcinoma (Li 2014). CHEK2 Trp411Cys was not observed in approximately 6,500 individuals of European and African American ancestry in the NHLBI Exome Sequencing Project, suggesting it is not a common benign variant in these populations. Since Tryptophan and Cysteine differ in polarity, charge, size or other properties, this is considered a non-conservative amino acid substitution. CHEK2 Trp411Cys occurs at a position that is conserved across species and is located in the kinase domain (Desrichard 2011, Roeb 2012). In silico analyses predict that this variant is probably damaging to protein structure and function. Based on currently available evidence, it is unclear whether CHEK2 Trp411Cys is a pathogenic or benign variant. We consider it to be a variant of uncertain significance.

NM_007194.4(CHEK2):c.1233G>C (p.Trp411Cys)

Gene: CHEK2 (checkpoint kinase 2; minus strand). Cytogenetic location: 22q12.1.
Variant type: single nucleotide variant.
Coding change: c.1233G>C on transcript NM_007194.4 (MANE Select); coding-DNA position 1233, G replaced by C.
Protein change: p.Trp411Cys; replaces tryptophan 411 with cysteine.
Molecular consequence: missense variant.
Genome position (GRCh38, 1-based): chr22:28,695,736, C>G on the plus strand (G>C on the coding strand, the complement: CHEK2 is on the minus strand). VCF-style: chr22-28695736-C-G. GRCh37 (hg19) VCF-style: chr22-29091724-C-G.
Other names: c.1362G>C, p.Trp454Cys (NM_001005735.3); c.570G>C, p.Trp190Cys (NM_001257387.3); c.1032G>C, p.Trp344Cys (NM_001349956.3); c.1146G>C, p.Trp382Cys (NM_145862.3); short protein forms W411C, W190C, W382C, W344C, W454C.
Identifiers: ClinVar variation 423679 (VCV000423679.19), dbSNP rs1064796572, ClinGen allele CA16621053.